The following is an entry in ClinVar:

ClinVar aggregate classification (germline): Conflicting classifications of pathogenicity. Review status: criteria provided, conflicting classifications (1 of 4 stars). 3 submissions from 3 submitters: Uncertain significance (2); Likely benign (1). Last evaluated 2026-02-01.

Conditions:
Vici syndrome (VICIS). Identifiers: Orphanet 1493, MedGen C1855772, MONDO:0009452, OMIM 242840.

Allele frequency attached by ClinVar (database versions not stated): gnomAD exomes 0.00003 and 0.00006; ExAC 0.00010; gnomAD 0.00021 and 0.00022; TOPMed 0.00022; ESP Exome Variant Server 0.00024; 1000 Genomes Project 0.00040; 1000 Genomes Project 30x 0.00047.
gnomAD v4.1: 76 of 1,614,156 alleles (0.0047%); highest among the groups gnomAD compares: African/African-American, 0.076%; no homozygotes.

Submissions (3):

GeneDx
Classification: Uncertain significance. Last evaluated: 2026-02-01. Review status: criteria provided, single submitter. Criteria: GeneDx Variant Classification Process June 2021. Collection method: clinical testing. Allele origin: germline.
Comment: Has not been previously published as pathogenic or benign to our knowledge; In silico analysis suggests that this missense variant does not alter protein structure/function

Blueprint Genetics
Classification: Likely benign. Last evaluated: 2024-08-06. Review status: criteria provided, single submitter. Criteria: ACMG Guidelines, 2015. Collection method: clinical testing. Allele origin: germline.

Labcorp Genetics (formerly Invitae), Labcorp
Classification: Uncertain significance for Vici syndrome. Last evaluated: 2022-06-20. Review status: criteria provided, single submitter. Criteria: Invitae Variant Classification Sherloc (09022015). Collection method: clinical testing. Allele origin: germline.
Comment: This sequence change replaces valine, which is neutral and non-polar, with isoleucine, which is neutral and non-polar, at codon 995 of the EPG5 protein (p.Val995Ile). This variant is present in population databases (rs377499566, gnomAD 0.08%). This variant has not been reported in the literature in individuals affected with EPG5-related conditions. ClinVar contains an entry for this variant (Variation ID: 859346). Algorithms developed to predict the effect of missense changes on protein structure and function output the following: SIFT: "Tolerated"; PolyPhen-2: "Benign"; Align-GVGD: "Class C0". The isoleucine amino acid residue is found in multiple mammalian species, which suggests that this missense change does not adversely affect protein function. In summary, the available evidence is currently insufficient to determine the role of this variant in disease. Therefore, it has been classified as a Variant of Uncertain Significance.

NM_020964.3(EPG5):c.2983G>A (p.Val995Ile)

Gene: EPG5 (ectopic P-granules 5 autophagy tethering factor; minus strand). Cytogenetic location: 18q21.1.
Variant type: single nucleotide variant.
Coding change: c.2983G>A on transcript NM_020964.3 (MANE Select); coding-DNA position 2983, G replaced by A.
Protein change: p.Val995Ile; replaces valine 995 with isoleucine.
Molecular consequence: missense variant.
Genome position (GRCh38, 1-based): chr18:45,922,456, C>T on the plus strand (G>A on the coding strand, the complement: EPG5 is on the minus strand). VCF-style: chr18-45922456-C-T. GRCh37 (hg19) VCF-style: chr18-43502422-C-T.
Other names: short protein forms V995I.
Identifiers: ClinVar variation 859346 (VCV000859346.6), dbSNP rs377499566, ClinGen allele CA8949291.
Genomic context (GRCh38, chr18:45,922,456, plus strand): 5'-CTTTCACAGCCTTCAAGAGAGGATGAAACGTGGGTGACTCTGTCATGTCAGGCACAGTGA[C>T]GGAGAAGGGAACAGCTGGACAATTCGGCTGTATTCCATAATCGTTTTTGTGCAGTTTTAG-3'
Protein context (NP_066015.2, residues 985-1005): QPNCPAVPFS[Val995Ile]TVPDMTESPT